The following is an entry in ClinVar:

NM_002282.3(KRT83):c.118A>G (p.Ile40Val)

Gene: KRT83 (keratin 83; minus strand). Cytogenetic location: 12q13.13.
Variant type: single nucleotide variant.
Coding change: c.118A>G on transcript NM_002282.3 (MANE Select); coding-DNA position 118, A replaced by G.
Protein change: p.Ile40Val; replaces isoleucine 40 with valine.
Molecular consequence: missense variant.
Genome position (GRCh38, 1-based): chr12:52,321,218, T>C on the plus strand (A>G on the coding strand, the complement: KRT83 is on the minus strand). VCF-style: chr12-52321218-T-C. GRCh37 (hg19) VCF-style: chr12-52715002-T-C.
Other names: short protein forms I40V.
Identifiers: ClinVar variation 2187775 (VCV002187775.4), dbSNP rs772461137, ClinGen allele CA6577818.

ClinVar aggregate classification (germline): Uncertain significance (1 of 4 stars; one submission).

Submission:

Labcorp Genetics (formerly Invitae), Labcorp
Classification: Uncertain significance. Last evaluated: 2022-07-06. Review status: criteria provided, single submitter. Criteria: Invitae Variant Classification Sherloc (09022015). Collection method: clinical testing. Allele origin: germline.
Comment: This sequence change replaces isoleucine, which is neutral and non-polar, with valine, which is neutral and non-polar, at codon 40 of the KRT83 protein (p.Ile40Val). In summary, the available evidence is currently insufficient to determine the role of this variant in disease. Therefore, it has been classified as a Variant of Uncertain Significance. Algorithms developed to predict the effect of missense changes on protein structure and function output the following: SIFT: "Tolerated"; PolyPhen-2: "Benign"; Align-GVGD: "Class C0". The valine amino acid residue is found in multiple mammalian species, which suggests that this missense change does not adversely affect protein function. This variant has not been reported in the literature in individuals affected with KRT83-related conditions. The frequency data for this variant in the population databases is considered unreliable, as metrics indicate poor data quality at this position in the gnomAD database.